The following is an entry in ClinVar:

ClinVar aggregate classification (germline): Uncertain significance (1 of 4 stars; one submission).

Allele frequency attached by ClinVar (database versions not stated): gnomAD exomes below 0.00001; ExAC 0.00001.

Submission:

GeneDx
Classification: Uncertain significance. Last evaluated: 2023-04-01. Review status: criteria provided, single submitter. Criteria: GeneDx Variant Classification Process June 2021. Collection method: clinical testing. Allele origin: germline. Affected: yes.
Comment: In-frame deletion of 2 amino acids in a non-repeat region; In silico analysis supports that this variant does not alter protein structure/function; Has not been previously published as pathogenic or benign to our knowledge

NM_006079.5(CITED2):c.430_435del (p.His144_Gln145del)

Gene: CITED2 (Cbp/p300 interacting transactivator with Glu/Asp rich carboxy-terminal domain 2; minus strand). Cytogenetic location: 6q24.1.
Variant type: Deletion.
Coding change: c.430_435del on transcript NM_006079.5 (MANE Select); coding-DNA positions 430 to 435, 6 bases deleted (CACCAG; older notation c.430_435delCACCAG).
Protein change: p.His144_Gln145del.
Molecular consequence: inframe deletion.
Genome position (GRCh38, 1-based): chr6:139,373,510-139,373,515, CTGGTG deleted on the plus strand (CACCAG on the coding strand, the reverse complement: CITED2 is on the minus strand). VCF-style (leftmost placement, unchanged base first): chr6-139373509-TCTGGTG-T. GRCh37 (hg19) VCF-style: chr6-139694646-TCTGGTG-T.
Other names: c.430_435del, p.His144_Gln145del (NM_001168388.3); c.445_450del, p.His149_Gln150del (NM_001168389.3).
Identifiers: ClinVar variation 2582057 (VCV002582057.1), dbSNP rs768947507, ClinGen allele CA4025630.